The following is an entry in ClinVar:

NM_001080467.3(MYO5B):c.2004-15T>C

Gene: MYO5B (myosin VB; minus strand). Cytogenetic location: 18q21.1.
Variant type: single nucleotide variant.
Coding change: c.2004-15T>C on transcript NM_001080467.3 (MANE Select); 15 bases into the intron before coding-DNA position 2004, T replaced by C.
Molecular consequence: intron variant.
Genome position (GRCh38, 1-based): chr18:49,929,613, A>G on the plus strand (T>C on the coding strand, the complement: MYO5B is on the minus strand). VCF-style: chr18-49929613-A-G. GRCh37 (hg19) VCF-style: chr18-47455983-A-G.
Identifiers: ClinVar variation 327059 (VCV000327059.15), dbSNP rs764748524, ClinGen allele CA8961270.

ClinVar aggregate classification (germline): Benign/Likely benign. Review status: criteria provided, multiple submitters, no conflicts (2 of 4 stars). 4 submissions from 4 submitters: Benign (3); Likely benign (1). Last evaluated 2026-02-01.

Conditions:
Congenital microvillous atrophy (DIAR2). Also called: CONGENITAL FAMILIAL PROTRACTED DIARRHEA WITH ENTEROCYTE BRUSH-BORDER ABNORMALITIES; DAVIDSON DISEASE; Diarrhea 2 with microvillus atrophy, with or without cholestasis; MICROVILLUS ATROPHY, CONGENITAL; Microvillus inclusion disease. Identifiers: Orphanet 2290, MedGen C0341306, MONDO:0009635, OMIM 251850.

Allele frequency attached by ClinVar (database versions not stated): gnomAD 0.01056 and 0.01062; gnomAD exomes 0.01465 and 0.01950; ExAC 0.02139.
gnomAD v4.1: 20,414 of 1,116,402 alleles (1.8%); highest among the groups gnomAD compares: Non-Finnish European, 2%; 31 homozygotes.

Submissions (4):

Labcorp Genetics (formerly Invitae), Labcorp
Classification: Benign. Last evaluated: 2026-02-01. Review status: criteria provided, single submitter. Criteria: Invitae Variant Classification Sherloc (09022015). Collection method: clinical testing. Allele origin: germline.

Blueprint Genetics
Classification: Likely benign. Last evaluated: 2024-11-27. Review status: criteria provided, single submitter. Criteria: ACMG Guidelines, 2015. Collection method: clinical testing. Allele origin: germline.

Illumina Laboratory Services, Illumina
Classification: Benign for Congenital microvillous atrophy. Last evaluated: 2018-01-13. Review status: criteria provided, single submitter. Criteria: ICSL Variant Classification Criteria 13 December 2019. Collection method: clinical testing. Allele origin: germline.
Comment: This variant was observed in the ICSL laboratory as part of a predisposition screen in an ostensibly healthy population. It had not been previously curated by ICSL or reported in the Human Gene Mutation Database (HGMD: prior to June 1st, 2018), and was therefore a candidate for classification through an automated scoring system. Utilizing variant allele frequency, disease prevalence and penetrance estimates, and inheritance mode, an automated score was calculated to assess if this variant is too frequent to cause the disease. Based on the score and internal cut-off values, a variant classified as benign is not then subjected to further curation. The score for this variant resulted in a classification of benign for this disease.

Breakthrough Genomics
Classification: Benign. Review status: criteria provided, single submitter. Criteria: ACMG Guidelines, 2015. Collection method: not provided. Allele origin: germline. Inheritance: Autosomal recessive inheritance. Affected: yes.